The following is an entry in ClinVar:

ClinVar aggregate classification (germline): Uncertain significance (1 of 4 stars; one submission).

Submission:

Labcorp Genetics (formerly Invitae), Labcorp
Classification: Uncertain significance. Last evaluated: 2019-09-03. Review status: criteria provided, single submitter. Criteria: Invitae Variant Classification Sherloc (09022015). Collection method: clinical testing. Allele origin: germline.
Comment: In summary, the available evidence is currently insufficient to determine the role of this variant in disease. Therefore, it has been classified as a Variant of Uncertain Significance. Algorithms developed to predict the effect of missense changes on protein structure and function are either unavailable or do not agree on the potential impact of this missense change (SIFT: "Deleterious"; PolyPhen-2: "Probably Damaging"; Align-GVGD: "Class C0"). This variant has not been reported in the literature in individuals with RIMS1-related conditions. This variant is not present in population databases (ExAC no frequency). This sequence change replaces proline with serine at codon 80 of the RIMS1 protein (p.Pro80Ser). The proline residue is weakly conserved and there is a moderate physicochemical difference between proline and serine.

NM_014989.7(RIMS1):c.238C>T (p.Pro80Ser)

Gene: RIMS1 (regulating synaptic membrane exocytosis 1; plus strand). Cytogenetic location: 6q13.
Variant type: single nucleotide variant.
Coding change: c.238C>T on transcript NM_014989.7 (MANE Select); coding-DNA position 238, C replaced by T.
Protein change: p.Pro80Ser; replaces proline 80 with serine.
Molecular consequence: missense variant. On other transcripts: intron variant (1).
Genome position (GRCh38, 1-based): chr6:71,969,056, C>T. VCF-style: chr6-71969056-C-T. GRCh37 (hg19) VCF-style: chr6-72678759-C-T.
Other names: c.238C>T, p.Pro80Ser (NM_001350411.1, NM_001350413.1); c.164+81869C>T (NM_001350412.1); short protein forms P80S.
Identifiers: ClinVar variation 938228 (VCV000938228.9), dbSNP rs780463911, ClinGen allele CA364818179.